The following is an entry in ClinVar:

NM_019112.4(ABCA7):c.3621C>T (p.Ala1207=)

Gene: ABCA7 (ATP binding cassette subfamily A member 7; plus strand). Cytogenetic location: 19p13.3.
Variant type: single nucleotide variant.
Coding change: c.3621C>T on transcript NM_019112.4 (MANE Select); coding-DNA position 3621, C replaced by T.
Protein change: p.Ala1207=; no amino-acid change (alanine 1207 retained).
Molecular consequence: synonymous variant.
Genome position (GRCh38, 1-based): chr19:1,054,236, C>T. VCF-style: chr19-1054236-C-T. GRCh37 (hg19) VCF-style: chr19-1054235-C-T.
Identifiers: ClinVar variation 2648893 (VCV002648893.24), dbSNP rs530214283, ClinGen allele CA9034151.

ClinVar aggregate classification (germline): Likely benign (1 of 4 stars; one submission).

Allele frequency attached by ClinVar (database versions not stated): TOPMed 0.00009; gnomAD 0.00010; ExAC 0.00011; 1000 Genomes Project 0.00020; 1000 Genomes Project 30x 0.00047.
gnomAD v4.1: 96 of 1,608,186 alleles (0.006%); highest among the groups gnomAD compares: South Asian, 0.047%; no homozygotes.

Submission:

CeGaT Center for Human Genetics Tuebingen
Classification: Likely benign. Last evaluated: 2024-07-01. Review status: criteria provided, single submitter. Criteria: CeGaT Center For Human Genetics Tuebingen Variant Classification Criteria Version 2. Collection method: clinical testing. Allele origin: germline. Affected: yes. Observed: 1 variant allele.
Comment: ABCA7: BP4, BP7